The following is an entry in ClinVar:

NM_182476.3(COQ6):c.453T>C (p.Ala151=)

Genes: COQ6 (coenzyme Q6, monooxygenase; plus strand), ENTPD5 (ectonucleoside triphosphate diphosphohydrolase 5; minus strand). Cytogenetic location: 14q24.3.
Variant type: single nucleotide variant.
Coding change: c.453T>C on transcript NM_182476.3 (MANE Select); coding-DNA position 453, T replaced by C.
Protein change: p.Ala151=; no amino-acid change (alanine 151 retained).
Molecular consequence: synonymous variant. On other transcripts: missense variant (2), intron variant (3).
Genome position (GRCh38, 1-based): chr14:73,955,900, T>C. VCF-style: chr14-73955900-T-C. GRCh37 (hg19) VCF-style: chr14-74422603-T-C.
Other names: c.453T>C, p.Ala151= (NM_001425255.1, NM_001425256.1); c.288T>C, p.Ala96= (NM_001425257.1); c.378T>C, p.Ala126= (NM_001425258.1, NM_182480.3); c.228T>C, p.Ala76= (NM_001425259.1, NM_001425260.1, NM_001425261.1); c.126T>C, p.Ala42= (NM_001425263.1); c.44T>C, p.Leu15Pro (NM_001425264.1, NM_001425265.1); c.357+391T>C (NM_001425262.1); c.1201-313A>G (NM_001382258.1); and 1 more.
Identifiers: ClinVar variation 377742 (VCV000377742.7), dbSNP rs757927318, ClinGen allele CA7264174.

ClinVar aggregate classification (germline): Benign/Likely benign. Review status: criteria provided, multiple submitters, no conflicts (2 of 4 stars). 2 submissions from 2 submitters: Benign (1); Likely benign (1). Last evaluated 2024-10-07.

Allele frequency attached by ClinVar (database versions not stated): gnomAD exomes 0.00005 and 0.00013; gnomAD 0.00004 and 0.00006; TOPMed 0.00009; ExAC 0.00012.
gnomAD v4.1: 82 of 1,614,154 alleles (0.0051%); highest among the groups gnomAD compares: Middle Eastern, 0.033%; 1 homozygote.

Submissions (2):

Labcorp Genetics (formerly Invitae), Labcorp
Classification: Likely benign. Last evaluated: 2024-10-07. Review status: criteria provided, single submitter. Criteria: Invitae Variant Classification Sherloc (09022015). Collection method: clinical testing. Allele origin: germline.

GeneDx
Classification: Benign. Last evaluated: 2015-09-16. Review status: criteria provided, single submitter. Criteria: GeneDx Variant Classification (06012015). Collection method: clinical testing. Allele origin: germline. Affected: yes.
Comment: This variant is considered likely benign or benign based on one or more of the following criteria: it is a conservative change, it occurs at a poorly conserved position in the protein, it is predicted to be benign by multiple in silico algorithms, and/or has population frequency not consistent with disease.